The following is an entry in ClinVar:

ClinVar aggregate classification (germline): Benign. Review status: criteria provided, single submitter (1 of 4 stars). 2 submissions from 2 submitters: Benign (1). 1 of the submissions does not count toward it. Last evaluated 2018-01-13.

Conditions:
KRT13-related disorder. Also called: KRT13-related condition.
White sponge nevus 2 (WSN2). Identifiers: MedGen C4014321, MONDO:0014346, OMIM 615785.

Allele frequency attached by ClinVar (database versions not stated): gnomAD exomes 0.00033 and 0.00037; ExAC 0.00036; gnomAD 0.00041 and 0.00044; TOPMed 0.00046; 1000 Genomes Project 30x 0.00047; 1000 Genomes Project 0.00020; ESP Exome Variant Server 0.00054.
gnomAD v4.1: 605 of 1,614,074 alleles (0.037%); highest among the groups gnomAD compares: Admixed American, 0.057%; no homozygotes.

Submissions (2):

Illumina Laboratory Services, Illumina
Classification: Benign for White sponge nevus 2. Last evaluated: 2018-01-13. Review status: criteria provided, single submitter. Criteria: ICSL Variant Classification Criteria 13 December 2019. Collection method: clinical testing. Allele origin: germline.
Comment: This variant was observed in the ICSL laboratory as part of a predisposition screen in an ostensibly healthy population. It had not been previously curated by ICSL or reported in the Human Gene Mutation Database (HGMD: prior to June 1st, 2018), and was therefore a candidate for classification through an automated scoring system. Utilizing variant allele frequency, disease prevalence and penetrance estimates, and inheritance mode, an automated score was calculated to assess if this variant is too frequent to cause the disease. Based on the score and internal cut-off values, a variant classified as benign is not then subjected to further curation. The score for this variant resulted in a classification of benign for this disease.

PreventionGenetics, part of Exact Sciences
Classification: Likely benign for KRT13-related condition. Last evaluated: 2022-02-15. Review status: no assertion criteria provided. Collection method: clinical testing. Allele origin: germline. Not counted in ClinVar's aggregate classification.
Comment: This variant is classified as likely benign based on ACMG/AMP sequence variant interpretation guidelines (Richards et al. 2015 PMID: 25741868, with internal and published modifications).

NM_153490.3(KRT13):c.1009T>C (p.Ser337Pro)

Gene: KRT13 (keratin 13; minus strand). Cytogenetic location: 17q21.2.
Variant type: single nucleotide variant.
Coding change: c.1009T>C on transcript NM_153490.3 (MANE Select); coding-DNA position 1009, T replaced by C.
Protein change: p.Ser337Pro; replaces serine 337 with proline.
Molecular consequence: missense variant.
Genome position (GRCh38, 1-based): chr17:41,502,701, A>G on the plus strand (T>C on the coding strand, the complement: KRT13 is on the minus strand). VCF-style: chr17-41502701-A-G. GRCh37 (hg19) VCF-style: chr17-39658953-A-G.
Other names: c.1009T>C, p.Ser337Pro (NM_002274.4); short protein forms S337P.
Identifiers: ClinVar variation 323081 (VCV000323081.7), dbSNP rs139318123, ClinGen allele CA8560563.
Genomic context (GRCh38, chr17:41,502,701, plus strand): 5'-GGAAACCTAGAGGTGGTCGCCACCGGGCAGGAGGCTGCAGGCATACCATGCTCAGCTGGG[A>G]CTGCAGCTCAATCTCCAGGCCTTGGAGCGTGCGCCTGAGCTCCGTGATCTCTGTCTTGCT-3'
Protein context (NP_705694.3, residues 327-347): TLQGLEIELQ[Ser337Pro]QLSMKAGLEN